The following is an entry in ClinVar:

ClinVar aggregate classification (germline): Uncertain significance (1 of 4 stars; one submission).

Conditions:
Autosomal recessive ataxia, Beauce type. Also called: SYNE1-Related Autosomal Recessive Cerebellar Ataxia; Spinocerebellar ataxia, autosomal recessive 8; ATAXIA, RECESSIVE, OF BEAUCE; SYNE1 Deficiency. Identifiers: Orphanet 88644, MedGen C1853116, MONDO:0012549, OMIM 610743.
Emery-Dreifuss muscular dystrophy 4, autosomal dominant (EDMD4). Also called: EMERY-DREIFUSS MUSCULAR DYSTROPHY 4 WITH VARIABLE FEATURES. Identifiers: Orphanet 261, MedGen C2751807, MONDO:0013071, OMIM 612998.

Allele frequency attached by ClinVar (database versions not stated): gnomAD exomes below 0.00001.
gnomAD v4.1: 1 of 1,614,234 alleles (0.000062%); highest among the groups gnomAD compares: Non-Finnish European, 0.000085%; no homozygotes.

Submission:

Labcorp Genetics (formerly Invitae), Labcorp
Classification: Uncertain significance for Emery-Dreifuss muscular dystrophy 4, autosomal dominant; Autosomal recessive ataxia, Beauce type. Last evaluated: 2022-09-28. Review status: criteria provided, single submitter. Criteria: Invitae Variant Classification Sherloc (09022015). Collection method: clinical testing. Allele origin: germline.
Comment: In summary, the available evidence is currently insufficient to determine the role of this variant in disease. Therefore, it has been classified as a Variant of Uncertain Significance. Algorithms developed to predict the effect of missense changes on protein structure and function are either unavailable or do not agree on the potential impact of this missense change (SIFT: "Deleterious"; PolyPhen-2: "Benign"; Align-GVGD: "Class C35"). This variant has not been reported in the literature in individuals affected with SYNE1-related conditions. This variant is not present in population databases (gnomAD no frequency). This sequence change replaces aspartic acid, which is acidic and polar, with glutamic acid, which is acidic and polar, at codon 2471 of the SYNE1 protein (p.Asp2471Glu).

NM_182961.4(SYNE1):c.7392T>G (p.Asp2464Glu)

Gene: SYNE1 (spectrin repeat containing nuclear envelope protein 1; minus strand). Cytogenetic location: 6q25.2.
Variant type: single nucleotide variant.
Coding change: c.7392T>G on transcript NM_182961.4 (MANE Select); coding-DNA position 7392, T replaced by G.
Protein change: p.Asp2464Glu; replaces aspartic acid 2464 with glutamic acid.
Molecular consequence: missense variant.
Genome position (GRCh38, 1-based): chr6:152,396,939, A>C on the plus strand (T>G on the coding strand, the complement: SYNE1 is on the minus strand). VCF-style: chr6-152396939-A-C. GRCh37 (hg19) VCF-style: chr6-152718074-A-C.
Other names: c.7413T>G, p.Asp2471Glu (NM_033071.5); short protein forms D2464E, D2471E.
Identifiers: ClinVar variation 2130731 (VCV002130731.4), dbSNP rs2493745618, ClinGen allele CA366113934.
Genomic context (GRCh38, chr6:152,396,939, plus strand): 5'-GCTACTGACAATTTGTTTAGACAAATGTGCATACAAAGTTTGTCCTTCTTGAGTCACTGC[A>C]TCAAGTTTGCTCTGCCCATCACTGACTGAGTCCAAAATGTTCTGTTTCAGGAAATAAAGG-3'
Protein context (NP_892006.3, residues 2454-2474): DSVSDGQSKL[Asp2464Glu]AVTQEGQTLY